The following is an entry in ClinVar:

NM_000124.4(ERCC6):c.2555A>G (p.His852Arg)

Gene: ERCC6 (ERCC excision repair 6, chromatin remodeling factor; minus strand). Cytogenetic location: 10q11.23.
Variant type: single nucleotide variant.
Coding change: c.2555A>G on transcript NM_000124.4 (MANE Select); coding-DNA position 2555, A replaced by G.
Protein change: p.His852Arg; replaces histidine 852 with arginine.
Molecular consequence: missense variant.
Genome position (GRCh38, 1-based): chr10:49,474,070, T>C on the plus strand (A>G on the coding strand, the complement: ERCC6 is on the minus strand). VCF-style: chr10-49474070-T-C. GRCh37 (hg19) VCF-style: chr10-50682116-T-C.
Other names: c.2555A>G, p.His852Arg (NM_001346440.2); short protein forms H852R.
Identifiers: ClinVar variation 1394351 (VCV001394351.6), dbSNP rs2132541768, ClinGen allele CA376721309.

ClinVar aggregate classification (germline): Uncertain significance (1 of 4 stars; one submission).

Submission:

Labcorp Genetics (formerly Invitae), Labcorp
Classification: Uncertain significance. Last evaluated: 2021-11-21. Review status: criteria provided, single submitter. Criteria: Invitae Variant Classification Sherloc (09022015). Collection method: clinical testing. Allele origin: germline.
Comment: In summary, the available evidence is currently insufficient to determine the role of this variant in disease. Therefore, it has been classified as a Variant of Uncertain Significance. This sequence change replaces histidine, which is basic and polar, with arginine, which is basic and polar, at codon 852 of the ERCC6 protein (p.His852Arg). This variant is not present in population databases (gnomAD no frequency). This variant has not been reported in the literature in individuals affected with ERCC6-related conditions. Algorithms developed to predict the effect of missense changes on protein structure and function are either unavailable or do not agree on the potential impact of this missense change (SIFT: "Deleterious"; PolyPhen-2: "Benign"; Align-GVGD: "Class C25").